The following is an entry in ClinVar:

ClinVar aggregate classification (germline): Benign/Likely benign. Review status: criteria provided, multiple submitters, no conflicts (2 of 4 stars). 12 submissions from 12 submitters: Benign (2); Likely benign (9). 1 of the submissions does not count toward it. Last evaluated 2026-05-15.

Conditions:
Chromosome 17q11.2 deletion syndrome, 1.4Mb. Also called: NF1 MICRODELETION SYNDROME; NEUROFIBROMATOSIS 1 MICRODELETION SYNDROME; VAN ASPEREN SYNDROME; Chromosome 17q11.2 deletion syndrome, 1.4 MB. Identifiers: Orphanet 139474, Orphanet 636, Orphanet 97685, MedGen C5401456, MONDO:0013357, OMIM 613675.
Neurofibromatosis type 1 due to NF1 mutation or intragenic deletion. Identifiers: Orphanet 363700, MedGen C5779636, MONDO:0018208.
Hereditary cancer-predisposing syndrome. Also called: Tumor predisposition; Neoplastic Syndromes, Hereditary; Hereditary Cancer Syndrome; Hereditary neoplastic syndrome. Identifiers: Orphanet 140162, MedGen C0027672, MeSH D009386, MONDO:0015356.
Neurofibromatosis, type 1 (NF1). Also called: Peripheral type neurofibromatosis; Neurofibromatosis, type I; NEUROFIBROMATOSIS, TYPE I, SOMATIC; VON RECKLINGHAUSEN DISEASE. Identifiers: Orphanet 636, MedGen C0027831, MONDO:0018975, OMIM 162200. Disease mechanism: loss of function.

Allele frequency attached by ClinVar (database versions not stated): ExAC 0.00017; gnomAD exomes 0.00020 and 0.00038; gnomAD 0.00029 and 0.00031; TOPMed 0.00030; ESP Exome Variant Server 0.00046.
gnomAD v4.1: 585 of 1,613,966 alleles (0.036%); highest among the groups gnomAD compares: Non-Finnish European, 0.046%; no homozygotes.

Submissions (12):

Myriad Genetics, Inc.
Classification: Benign for Neurofibromatosis, type 1. Last evaluated: 2026-05-15. Review status: criteria provided, single submitter. Criteria: Myriad Autosomal Dominant, Autosomal Recessive and X-Linked Classification Criteria (2023). Collection method: clinical testing. Allele origin: unknown.
Comment: This variant is considered benign. This variant is a silent/synonymous amino acid change and it is not expected to impact splicing.

CeGaT Center for Human Genetics Tuebingen
Classification: Likely benign. Last evaluated: 2026-04-01. Review status: criteria provided, single submitter. Criteria: CeGaT Center For Human Genetics Tuebingen Variant Classification Criteria Version 2. Collection method: clinical testing. Allele origin: germline. Affected: yes. Observed: 4 variant alleles.
Comment: NF1: BP4, BP7

Labcorp Genetics (formerly Invitae), Labcorp
Classification: Benign for Neurofibromatosis, type 1. Last evaluated: 2026-02-03. Review status: criteria provided, single submitter. Criteria: Invitae Variant Classification Sherloc (09022015). Collection method: clinical testing. Allele origin: germline.

Women's Health and Genetics/Laboratory Corporation of America, LabCorp
Classification: Likely benign. Last evaluated: 2025-10-10. Review status: criteria provided, single submitter. Criteria: LabCorp Variant Classification Summary - May 2015. Collection method: clinical testing. Allele origin: germline.

Blueprint Genetics
Classification: Likely benign. Last evaluated: 2024-09-11. Review status: criteria provided, single submitter. Criteria: ACMG Guidelines, 2015. Collection method: clinical testing. Allele origin: germline.

Department of Pathology and Laboratory Medicine, Sinai Health System
Classification: Likely benign for Chromosome 17q11.2 deletion syndrome, 1.4Mb; Neurofibromatosis type 1 due to NF1 mutation or intragenic deletion. Last evaluated: 2024-05-14. Review status: criteria provided, single submitter. Criteria: ACMG Guidelines, 2015. Collection method: clinical testing. Allele origin: germline.

Genome-Nilou Lab
Classification: Likely benign for Neurofibromatosis, type 1. Last evaluated: 2022-03-15. Review status: criteria provided, single submitter. Criteria: ACMG Guidelines, 2015. Collection method: clinical testing. Allele origin: germline. Affected: no.

Sema4
Classification: Likely benign for Hereditary cancer-predisposing syndrome. Last evaluated: 2021-03-11. Review status: criteria provided, single submitter. Criteria: Sema4 Curation Guidelines. Collection method: curation. Allele origin: germline.

GeneDx
Classification: Likely benign. Last evaluated: 2020-08-17. Review status: criteria provided, single submitter. Criteria: GeneDx Variant Classification Process June 2021. Collection method: clinical testing. Allele origin: germline. Affected: yes.

PreventionGenetics, part of Exact Sciences
Classification: Likely benign. Last evaluated: 2017-10-10. Review status: criteria provided, single submitter. Criteria: ACMG Guidelines, 2015. Collection method: clinical testing. Allele origin: germline.

Ambry Genetics
Classification: Likely benign for Hereditary cancer-predisposing syndrome. Last evaluated: 2014-06-11. Review status: criteria provided, single submitter. Criteria: Ambry Autosomal Dominant and X-Linked criteria (10/2015). Collection method: clinical testing. Allele origin: germline. Observed: 1 variant allele.
Comment: In silico models in agreement (benign);Synonymous alterations with insufficient evidence to classify as benign

Institute for Biomarker Research, Medical Diagnostic Laboratories, L.L.C.
Classification: Likely benign for Hereditary cancer-predisposing syndrome. Last evaluated: 2021-09-27. Review status: no assertion criteria provided. Collection method: clinical testing. Allele origin: germline. Not counted in ClinVar's aggregate classification.

Literature cited by the submitters: PubMed 10678181 (cited by Women's Health and Genetics/Laboratory Corporation of America, LabCorp); PubMed 23460398 (cited by Women's Health and Genetics/Laboratory Corporation of America, LabCorp); PubMed 29872168 (cited by Women's Health and Genetics/Laboratory Corporation of America, LabCorp).

NM_001042492.3(NF1):c.1137C>T (p.Cys379=)

Gene: NF1 (neurofibromin 1; plus strand). Cytogenetic location: 17q11.2.
Variant type: single nucleotide variant.
Coding change: c.1137C>T on transcript NM_001042492.3 (MANE Select); coding-DNA position 1137, C replaced by T.
Protein change: p.Cys379=; no amino-acid change (cysteine 379 retained).
Molecular consequence: synonymous variant.
Genome position (GRCh38, 1-based): chr17:31,201,111, C>T. VCF-style: chr17-31201111-C-T. GRCh37 (hg19) VCF-style: chr17-29528129-C-T.
Other names: c.1137C>T, p.Cys379= (NM_000267.4, NM_001128147.3).
Identifiers: ClinVar variation 184363 (VCV000184363.33), dbSNP rs139648455, ClinGen allele CA188739.